The following is an entry in ClinVar:

NM_024408.4(NOTCH2):c.6126G>T (p.Met2042Ile)

Gene: NOTCH2 (notch receptor 2; minus strand). Cytogenetic location: 1p12.
Variant type: single nucleotide variant.
Coding change: c.6126G>T on transcript NM_024408.4 (MANE Select); coding-DNA position 6126, G replaced by T.
Protein change: p.Met2042Ile; replaces methionine 2042 with isoleucine.
Molecular consequence: missense variant.
Genome position (GRCh38, 1-based): chr1:119,916,596, C>A on the plus strand (G>T on the coding strand, the complement: NOTCH2 is on the minus strand). VCF-style: chr1-119916596-C-A. GRCh37 (hg19) VCF-style: chr1-120459219-C-A.
Other names: short protein forms M2042I.
Identifiers: ClinVar variation 4540211 (VCV004540211.1).

ClinVar aggregate classification (germline): Uncertain significance (1 of 4 stars; one submission).

Submission:

GeneDx
Classification: Uncertain significance. Last evaluated: 2025-06-24. Review status: criteria provided, single submitter. Criteria: GeneDx Variant Classification Process June 2021. Collection method: clinical testing. Allele origin: germline. Affected: yes.
Comment: Not observed at significant frequency in large population cohorts (gnomAD); In silico analysis supports that this missense variant has a deleterious effect on protein structure/function; Has not been previously published as pathogenic or benign to our knowledge